The following is an entry in ClinVar:

NM_000289.6(PFKM):c.2292T>C (p.His764=)

Gene: PFKM (phosphofructokinase, muscle; plus strand). Cytogenetic location: 12q13.11.
Variant type: single nucleotide variant.
Coding change: c.2292T>C on transcript NM_000289.6 (MANE Select); coding-DNA position 2292, T replaced by C.
Protein change: p.His764=; no amino-acid change (histidine 764 retained).
Molecular consequence: synonymous variant. On other transcripts: non-coding transcript variant (6).
Genome position (GRCh38, 1-based): chr12:48,145,657, T>C. VCF-style: chr12-48145657-T-C. GRCh37 (hg19) VCF-style: chr12-48539440-T-C.
Other names: c.2505T>C, p.His835= (NM_001166686.2, NM_001354737.1, NM_001354738.1 and 1 more transcripts); c.2292T>C, p.His764= (NM_001166687.2, NM_001166688.2, NM_001354742.2 and 2 more transcripts); c.2601T>C, p.His867= (NM_001354735.1, NM_001354736.1); c.2436T>C, p.His812= (NM_001354740.1); c.2316T>C, p.His772= (NM_001354741.2); c.2205T>C, p.His735= (NM_001354745.2); c.2166T>C, p.His722= (NM_001354746.2); c.2142T>C, p.His714= (NM_001354747.2, NM_001354748.2); and 1 more.
Identifiers: ClinVar variation 1130707 (VCV001130707.31), dbSNP rs765145687, ClinGen allele CA6537583.
Genomic context (GRCh38, chr12:48,145,657, plus strand): 5'-ACTGAGGCCCATCCTCAAAATCCTAGCCAAGTACGAGATTGACTTGGACACTTCAGACCA[T>C]GCCCACCTGGAGCACATCACCCGGAAGCGGTCCGGGGAAGCTGCCGTCTAAACCTCTCTG-3'
Protein context (NP_000280.1, residues 754-774): KYEIDLDTSD[His764=]AHLEHITRKR

ClinVar aggregate classification (germline): Likely benign. Review status: criteria provided, multiple submitters, no conflicts (2 of 4 stars). 2 submissions from 2 submitters: Likely benign (2). Last evaluated 2023-12-01.

Conditions:
Glycogen storage disease, type VII (GSD7). Also called: GSD VII; MUSCLE PHOSPHOFRUCTOKINASE DEFICIENCY; PFKM DEFICIENCY; TARUI DISEASE. Identifiers: Orphanet 371, MedGen C0017926, MONDO:0009295, OMIM 232800.

Allele frequency attached by ClinVar (database versions not stated): ExAC 0.00001; gnomAD exomes 0.00001.
gnomAD v4.1: 17 of 1,614,160 alleles (0.0011%); highest among the groups gnomAD compares: South Asian, 0.0033%; no homozygotes.

Submissions (2):

CeGaT Center for Human Genetics Tuebingen
Classification: Likely benign. Last evaluated: 2023-12-01. Review status: criteria provided, single submitter. Criteria: CeGaT Center For Human Genetics Tuebingen Variant Classification Criteria Version 2. Collection method: clinical testing. Allele origin: germline. Affected: yes. Observed: 1 variant allele.
Comment: PFKM: BP4, BP7

Labcorp Genetics (formerly Invitae), Labcorp
Classification: Likely benign for Glycogen storage disease, type VII. Last evaluated: 2023-11-13. Review status: criteria provided, single submitter. Criteria: Invitae Variant Classification Sherloc (09022015). Collection method: clinical testing. Allele origin: germline.